The following is an entry in ClinVar:

ClinVar aggregate classification (germline): Likely pathogenic (1 of 4 stars; one submission).

Conditions:
Alstrom syndrome (ALMS). Identifiers: Orphanet 64, MedGen C0268425, MONDO:0008763, OMIM 203800.

Submission:

Labcorp Genetics (formerly Invitae), Labcorp
Classification: Likely pathogenic for Alstrom syndrome. Last evaluated: 2023-08-18. Review status: criteria provided, single submitter. Criteria: Invitae Variant Classification Sherloc (09022015). Collection method: clinical testing. Allele origin: germline.
Comment: In summary, the currently available evidence indicates that the variant is pathogenic, but additional data are needed to prove that conclusively. Therefore, this variant has been classified as Likely Pathogenic. Algorithms developed to predict the effect of sequence changes on RNA splicing suggest that this variant may disrupt the consensus splice site. This variant has not been reported in the literature in individuals affected with ALMS1-related conditions. This variant is not present in population databases (gnomAD no frequency). This sequence change affects an acceptor splice site in intron 4 of the ALMS1 gene. It is expected to disrupt RNA splicing. Variants that disrupt the donor or acceptor splice site typically lead to a loss of protein function (PMID: 16199547), and loss-of-function variants in ALMS1 are known to be pathogenic (PMID: 17594715).

Literature cited by the submitters: PubMed 16199547; PubMed 17594715.

NM_001378454.1(ALMS1):c.765-1G>C

Gene: ALMS1 (ALMS1 centrosome and basal body associated protein; plus strand). Cytogenetic location: 2p13.1.
Variant type: single nucleotide variant.
Coding change: c.765-1G>C on transcript NM_001378454.1 (MANE Select); the canonical splice acceptor site of the intron before coding-DNA position 765, G replaced by C.
Molecular consequence: splice acceptor variant.
Genome position (GRCh38, 1-based): chr2:73,424,429, G>C. VCF-style: chr2-73424429-G-C. GRCh37 (hg19) VCF-style: chr2-73651557-G-C.
Other names: c.765-1G>C (NM_015120.4).
Identifiers: ClinVar variation 2753808 (VCV002753808.3), dbSNP rs2466045771, ClinGen allele CA347260320.